The following is an entry in ClinVar:

ClinVar aggregate classification (germline): Likely pathogenic (1 of 4 stars; one submission).

Conditions:
Glycine encephalopathy. Also called: Nonketotic hyperglycinemia; Non-ketotic hyperglycinemia. Identifiers: Orphanet 407, MedGen C0751748, MONDO:0011612, HP:0008288.

Submission:

Labcorp Genetics (formerly Invitae), Labcorp
Classification: Likely pathogenic for Glycine encephalopathy. Last evaluated: 2022-01-26. Review status: criteria provided, single submitter. Criteria: Invitae Variant Classification Sherloc (09022015). Collection method: clinical testing. Allele origin: germline.
Comment: In summary, the currently available evidence indicates that the variant is pathogenic, but additional data are needed to prove that conclusively. Therefore, this variant has been classified as Likely Pathogenic. This variant disrupts the p.Cys382 amino acid residue in GLDC. Other variant(s) that disrupt this residue have been determined to be pathogenic (PMID: 26179960, 27362913). This suggests that this residue is clinically significant, and that variants that disrupt this residue are likely to be disease-causing. This variant has not been reported in the literature in individuals affected with GLDC-related conditions. This variant is a gross deletion of the genomic region encompassing exon(s) 7-8 of the GLDC gene. This variant would be expected to be in-frame, preserving the integrity of the reading frame.

Literature cited by the submitters: PubMed 26179960; PubMed 27362913.

NC_000009.11:g.(?_6602089)_(6604804_?)del

Gene: GLDC (glycine decarboxylase; minus strand). Cytogenetic location: 9p24.1.
Variant type: Deletion.
Identifiers: ClinVar variation 1066622 (VCV001066622.11).